The following is an entry in ClinVar:

ClinVar aggregate classification (germline): Pathogenic (1 of 4 stars; one submission).

Submission:

Labcorp Genetics (formerly Invitae), Labcorp
Classification: Pathogenic. Last evaluated: 2025-10-09. Review status: criteria provided, single submitter. Criteria: Invitae Variant Classification Sherloc (09022015). Collection method: clinical testing. Allele origin: germline.
Comment: This sequence change creates a premature translational stop signal (p.Gln834Serfs*48) in the TOP3A gene. It is expected to result in an absent or disrupted protein product. Loss-of-function variants in TOP3A are known to be pathogenic (PMID: 30057030). This variant is not present in population databases (gnomAD no frequency). This variant has not been reported in the literature in individuals affected with TOP3A-related conditions. For these reasons, this variant has been classified as Pathogenic.

Literature cited by the submitters: PubMed 30057030.

NM_004618.5(TOP3A):c.2499del (p.Gln834fs)

Gene: TOP3A (DNA topoisomerase III alpha; minus strand). Cytogenetic location: 17p11.2.
Variant type: Deletion.
Coding change: c.2499del on transcript NM_004618.5 (MANE Select); coding-DNA position 2499, one base deleted (G; older notation c.2499delG).
Protein change: p.Gln834fs; shifts the reading frame from glutamine 834.
Molecular consequence: frameshift variant.
Genome position (GRCh38, 1-based): chr17:18,278,003, C deleted on the plus strand (G on the coding strand, the reverse complement: TOP3A is on the minus strand); the first of 2 consecutive C bases (chr17:18,278,003-18,278,004); deleting either gives the same sequence. VCF-style (leftmost placement, unchanged base first): chr17-18278002-GC-G. GRCh37 (hg19) VCF-style: chr17-18181316-GC-G.
Other names: c.2214del, p.Gln739fs (NM_001320759.2); short protein forms Q834fs, Q739fs.
Identifiers: ClinVar variation 4728452 (VCV004728452.1).